The following is an entry in ClinVar:

NM_000142.5(FGFR3):c.17G>A (p.Cys6Tyr)

Gene: FGFR3 (fibroblast growth factor receptor 3; plus strand). Cytogenetic location: 4p16.3.
Variant type: single nucleotide variant.
Coding change: c.17G>A on transcript NM_000142.5 (MANE Select); coding-DNA position 17, G replaced by A.
Protein change: p.Cys6Tyr; replaces cysteine 6 with tyrosine.
Molecular consequence: missense variant. On other transcripts: non-coding transcript variant (1).
Genome position (GRCh38, 1-based): chr4:1,793,951, G>A. VCF-style: chr4-1793951-G-A. GRCh37 (hg19) VCF-style: chr4-1795678-G-A.
Other names: c.17G>A, p.Cys6Tyr (NM_001163213.2, NM_001354809.2, NM_001354810.2 and 1 more transcripts); short protein forms C6Y.
Identifiers: ClinVar variation 2115841 (VCV002115841.4), dbSNP rs2108751846, ClinGen allele CA355985183.

ClinVar aggregate classification (germline): Uncertain significance (1 of 4 stars; one submission).

Submission:

Labcorp Genetics (formerly Invitae), Labcorp
Classification: Uncertain significance. Last evaluated: 2022-11-22. Review status: criteria provided, single submitter. Criteria: Invitae Variant Classification Sherloc (09022015). Collection method: clinical testing. Allele origin: germline.
Comment: In summary, the available evidence is currently insufficient to determine the role of this variant in disease. Therefore, it has been classified as a Variant of Uncertain Significance. Advanced modeling of protein sequence and biophysical properties (such as structural, functional, and spatial information, amino acid conservation, physicochemical variation, residue mobility, and thermodynamic stability) has been performed at Invitae for this missense variant, however the output from this modeling did not meet the statistical confidence thresholds required to predict the impact of this variant on FGFR3 protein function. This variant has not been reported in the literature in individuals affected with FGFR3-related conditions. This variant is not present in population databases (gnomAD no frequency). This sequence change replaces cysteine, which is neutral and slightly polar, with tyrosine, which is neutral and polar, at codon 6 of the FGFR3 protein (p.Cys6Tyr).